The following is an entry in ClinVar:

NM_000059.4(BRCA2):c.4569T>G (p.Gly1523=)

Gene: BRCA2 (BRCA2 DNA repair associated; plus strand). Cytogenetic location: 13q13.1.
Variant type: single nucleotide variant.
Coding change: c.4569T>G on transcript NM_000059.4 (MANE Select); coding-DNA position 4569, T replaced by G.
Protein change: p.Gly1523=; no amino-acid change (glycine 1523 retained).
Molecular consequence: synonymous variant. On other transcripts: non-coding transcript variant (1), intron variant (2).
Genome position (GRCh38, 1-based): chr13:32,338,924, T>G. VCF-style: chr13-32338924-T-G. GRCh37 (hg19) VCF-style: chr13-32913061-T-G.
Other names: c.4569T>G, p.Gly1523= (NM_001406719.1, NM_001406720.1); c.1909+5537T>G (NM_001406721.1); c.425-5634T>G (NM_001406722.1).
Identifiers: ClinVar variation 1741535 (VCV001741535.3), dbSNP rs2137507782, ClinGen allele CA483438047.

ClinVar aggregate classification (germline): Likely benign. Review status: criteria provided, multiple submitters, no conflicts (2 of 4 stars). 2 submissions from 2 submitters: Likely benign (2). Last evaluated 2024-08-13.

Conditions:
Hereditary cancer-predisposing syndrome. Also called: Hereditary Cancer Syndrome; Hereditary neoplastic syndrome; Neoplastic Syndromes, Hereditary; Tumor predisposition. Identifiers: Orphanet 140162, MedGen C0027672, MeSH D009386, MONDO:0015356.
BRCA2-related cancer predisposition. Identifiers: MedGen CN377758, MONDO:0700269.

Submissions (2):

All of Us Research Program, National Institutes of Health
Classification: Likely benign for BRCA2-related cancer predisposition. Last evaluated: 2024-08-13. Review status: criteria provided, single submitter. Criteria: ACMG Guidelines, 2015. Collection method: clinical testing. Allele origin: germline. Inheritance: Autosomal dominant inheritance. Observed: 1 variant allele, 1 heterozygote.
Comment: This study involves interpretation of variants in research participants for the purpose of population health screening. Participant phenotype was not available at the time of variant classification. Additional details can be found in publication PMID: 35346344, PMCID: PMC8962531

Ambry Genetics
Classification: Likely benign for Hereditary cancer-predisposing syndrome. Last evaluated: 2019-09-28. Review status: criteria provided, single submitter. Criteria: Ambry Variant Classification Scheme 2023. Collection method: clinical testing. Allele origin: germline.